The following is an entry in ClinVar:

NM_006517.5(SLC16A2):c.811T>C (p.Phe271Leu)

Gene: SLC16A2 (solute carrier family 16 member 2; plus strand). Cytogenetic location: Xq13.2.
Variant type: single nucleotide variant.
Coding change: c.811T>C on transcript NM_006517.5 (MANE Select); coding-DNA position 811, T replaced by C.
Protein change: p.Phe271Leu; replaces phenylalanine 271 with leucine.
Molecular consequence: missense variant.
Genome position (GRCh38, 1-based): chrX:74,524,594, T>C. VCF-style: chrX-74524594-T-C. GRCh37 (hg19) VCF-style: chrX-73744429-T-C.
Other names: short protein forms F271L.
Identifiers: ClinVar variation 450565 (VCV000450565.1), dbSNP rs1555989695, ClinGen allele CA413657344.
Genomic context (GRCh38, chrX:74,524,594, plus strand): 5'-AGAATGCTGGGGGATAAGATCAAGCTGGCCCAAACCTTCCAGGTGCTGAGTACCTTCATG[T>C]TTGTTCTTATGCTGCTTTCACTCACCTACCGGCCCCTCCTGCCCAGCTCCCAGGACACCC-3'
Protein context (NP_006508.2, residues 261-281): QTFQVLSTFM[Phe271Leu]VLMLLSLTYR

ClinVar aggregate classification (germline): Uncertain significance (1 of 4 stars; one submission).

Submission:

GeneDx
Classification: Uncertain significance. Last evaluated: 2017-07-20. Review status: criteria provided, single submitter. Criteria: GeneDx Variant Classification (06012015). Collection method: clinical testing. Allele origin: germline. Affected: yes.
Comment: he Y345H variant in the SLC16A2 gene has not been reported previously as a pathogenic variant, nor as a benign variant, to our knowledge. This variant is not observed in large population cohorts (Lek et al., 2016; 1000 Genomes Consortium et al., 2015; Exome Variant Server). The Y345H variant is a non-conservative amino acid substitution, which is likely to impact secondary protein structure as these residues differ in polarity, charge, size and/or other properties. This substitution occurs at a position that is conserved in mammals. In silico analysis predicts this variant likely does not alter the protein structure/function. We interpret Y345H as a variant of uncertain significance.